The following is an entry in ClinVar:

NM_138694.4(PKHD1):c.8553del (p.Ile2851fs)

Gene: PKHD1 (PKHD1 ciliary IPT domain containing fibrocystin/polyductin; minus strand). Cytogenetic location: 6p12.3.
Variant type: Deletion.
Coding change: c.8553del on transcript NM_138694.4 (MANE Select); coding-DNA position 8553, one base deleted (T; older notation c.8553delT).
Protein change: p.Ile2851fs; shifts the reading frame from isoleucine 2851.
Molecular consequence: frameshift variant.
Genome position (GRCh38, 1-based): chr6:51,775,809, A deleted on the plus strand (T on the coding strand, the reverse complement: PKHD1 is on the minus strand); the first of 2 consecutive A bases (chr6:51,775,809-51,775,810); deleting either gives the same sequence. VCF-style (leftmost placement, unchanged base first): chr6-51775808-CA-C. GRCh37 (hg19) VCF-style: chr6-51640606-CA-C.
Other names: c.8553del, p.Ile2851fs (NM_170724.3); short protein forms I2851fs.
Identifiers: ClinVar variation 2059094 (VCV002059094.4), dbSNP rs2534336717, ClinGen allele CA2580075415.

ClinVar aggregate classification (germline): Pathogenic (1 of 4 stars; one submission).

Conditions:
Autosomal recessive polycystic kidney disease (ARPKD). Also called: AR polycystic kidney disease. Identifiers: Orphanet 731, Orphanet 8378, MedGen C0085548, MeSH D017044, MONDO:0009889.

Submission:

Labcorp Genetics (formerly Invitae), Labcorp
Classification: Pathogenic for Autosomal recessive polycystic kidney disease. Last evaluated: 2021-12-24. Review status: criteria provided, single submitter. Criteria: Invitae Variant Classification Sherloc (09022015). Collection method: clinical testing. Allele origin: germline.
Comment: For these reasons, this variant has been classified as Pathogenic. This variant has not been reported in the literature in individuals affected with PKHD1-related conditions. This variant is not present in population databases (gnomAD no frequency). This sequence change creates a premature translational stop signal (p.Ile2851Metfs*33) in the PKHD1 gene. It is expected to result in an absent or disrupted protein product. Loss-of-function variants in PKHD1 are known to be pathogenic (PMID: 19940839).

Literature cited by the submitters: PubMed 19940839.